The following is an entry in ClinVar:

NM_001036.6(RYR3):c.14397C>G (p.Asp4799Glu)

Genes: RYR3 (ryanodine receptor 3; plus strand), AVEN (apoptosis and caspase activation inhibitor; minus strand). Cytogenetic location: 15q14.
Variant type: single nucleotide variant.
Coding change: c.14397C>G on transcript NM_001036.6 (MANE Select); coding-DNA position 14397, C replaced by G.
Protein change: p.Asp4799Glu; replaces aspartic acid 4799 with glutamic acid.
Molecular consequence: missense variant.
Genome position (GRCh38, 1-based): chr15:33,861,110, C>G. VCF-style: chr15-33861110-C-G. GRCh37 (hg19) VCF-style: chr15-34153311-C-G.
Other names: c.14397C>G (NM_001036.3); c.14382C>G, p.Asp4794Glu (NM_001243996.4); short protein forms D4794E, D4799E.
Identifiers: ClinVar variation 840234 (VCV000840234.10), dbSNP rs541643213, ClinGen allele CA268561783.

ClinVar aggregate classification (germline): Uncertain significance. Review status: criteria provided, multiple submitters, no conflicts (2 of 4 stars). 2 submissions from 2 submitters: Uncertain significance (2). Last evaluated 2024-06-19.

Conditions:
Epileptic encephalopathy. Identifiers: MedGen C0543888, HP:0200134.

Allele frequency attached by ClinVar (database versions not stated): gnomAD exomes below 0.00001; TOPMed below 0.00001.
gnomAD v4.1: 16 of 1,596,616 alleles (0.001%); highest among the groups gnomAD compares: Non-Finnish European, 0.0013%; no homozygotes.

Submissions (2):

Ambry Genetics
Classification: Uncertain significance. Last evaluated: 2024-06-19. Review status: criteria provided, single submitter. Criteria: Ambry Variant Classification Scheme 2023. Collection method: clinical testing. Allele origin: germline.

Labcorp Genetics (formerly Invitae), Labcorp
Classification: Uncertain significance for Epileptic encephalopathy. Last evaluated: 2019-12-30. Review status: criteria provided, single submitter. Criteria: Invitae Variant Classification Sherloc (09022015). Collection method: clinical testing. Allele origin: germline.
Comment: This sequence change replaces aspartic acid with glutamic acid at codon 4799 of the RYR3 protein (p.Asp4799Glu). The aspartic acid residue is highly conserved and there is a small physicochemical difference between aspartic acid and glutamic acid. This variant is not present in population databases (ExAC no frequency). This variant has not been reported in the literature in individuals with RYR3-related conditions. Algorithms developed to predict the effect of missense changes on protein structure and function are either unavailable or do not agree on the potential impact of this missense change (SIFT: "Deleterious"; PolyPhen-2: "Benign"; Align-GVGD: "Class C0"). In summary, the available evidence is currently insufficient to determine the role of this variant in disease. Therefore, it has been classified as a Variant of Uncertain Significance.